The following is an entry in ClinVar:

NM_013386.5(SLC25A24):c.183+5104_184-5144del

Gene: SLC25A24 (solute carrier family 25 member 24; minus strand). Cytogenetic location: 1p13.3.
Variant type: Deletion.
Coding change: c.183+5104_184-5144del on transcript NM_013386.5 (MANE Select); 5104 bases into the intron after coding-DNA position 183 through 5144 bases into the intron before coding-DNA position 184, 3,755 bases deleted.
Molecular consequence: intron variant.
Genome position (GRCh38, 1-based): chr1:108,191,098-108,194,852, 3,755 bases deleted. GRCh37 (hg19): chr1:108,733,720-108,737,474.
Identifiers: ClinVar variation 3907012 (VCV003907012.1).

ClinVar aggregate classification (germline): Benign (1 of 4 stars; one submission).

Submission:

Women's Health and Genetics/Laboratory Corporation of America, LabCorp
Classification: Benign. Last evaluated: 2025-06-18. Review status: criteria provided, single submitter. Criteria: LabCorp Variant Classification Summary - May 2015. Collection method: clinical testing. Allele origin: germline.
Comment: Variant summary: SLC25A24 c.183+5104_184-5144del is located is located in intron 1 of the canonical transcript (NM_013386.5). However, in a different transcript (NM_213651.3) this variant corresponds to the deletion of exon 1; and is predicted to remove the initiation codon and result in an absence of protein or a truncation of the encoded protein due to translation initiation at a downstream site. A similar deletion variant, which matches the deletion of exon 1 in NM_213651.3 was found at a frequency of 0.33 in 91366 control chromosomes in the gnomAD database (Structural Variants v4.1 dataset), including 4894 homozygotes. The observed variant frequency exceeds the estimated maximal expected allele frequency for a pathogenic variant in SLC25A24 causing Fontaine Progeroid Syndrome phenotype. To our knowledge, no occurrence of c.183+5104_184-5144del1025 in individuals affected with Fontaine Progeroid Syndrome and no experimental evidence demonstrating its impact on protein function have been reported. No submitters have cited clinical-significance assessments for this variant to ClinVar. Based on the evidence outlined above, the variant was classified as benign.